The following is an entry in ClinVar:

NM_001291303.3(FAT4):c.8630C>T (p.Thr2877Ile)

Gene: FAT4 (FAT atypical cadherin 4; plus strand). Cytogenetic location: 4q28.1.
Variant type: single nucleotide variant.
Coding change: c.8630C>T on transcript NM_001291303.3 (MANE Select); coding-DNA position 8630, C replaced by T.
Protein change: p.Thr2877Ile; replaces threonine 2877 with isoleucine.
Molecular consequence: missense variant.
Genome position (GRCh38, 1-based): chr4:125,449,640, C>T. VCF-style: chr4-125449640-C-T. GRCh37 (hg19) VCF-style: chr4-126370795-C-T.
Other names: c.8630C>T, p.Thr2877Ile (NM_001291285.3); c.8624C>T, p.Thr2875Ile (NM_024582.6); c.8624C>T (NM_024582.4); short protein forms T2875I, T2877I.
Identifiers: ClinVar variation 1494457 (VCV001494457.8), dbSNP rs754458048, ClinGen allele CA358146793.

ClinVar aggregate classification (germline): Uncertain significance. Review status: criteria provided, multiple submitters, no conflicts (2 of 4 stars). 2 submissions from 2 submitters: Uncertain significance (2). Last evaluated 2024-12-04.

Conditions:
Inborn genetic diseases. Identifiers: MedGen C0950123, MeSH D030342.

Allele frequency attached by ClinVar (database versions not stated): TOPMed below 0.00001.

Submissions (2):

Ambry Genetics
Classification: Uncertain significance for Inborn genetic diseases. Last evaluated: 2024-12-04. Review status: criteria provided, single submitter. Criteria: Ambry Variant Classification Scheme 2023. Collection method: clinical testing. Allele origin: germline.

Labcorp Genetics (formerly Invitae), Labcorp
Classification: Uncertain significance. Last evaluated: 2021-05-16. Review status: criteria provided, single submitter. Criteria: Invitae Variant Classification Sherloc (09022015). Collection method: clinical testing. Allele origin: germline.
Comment: In summary, the available evidence is currently insufficient to determine the role of this variant in disease. Therefore, it has been classified as a Variant of Uncertain Significance. Advanced modeling of protein sequence and biophysical properties (such as structural, functional, and spatial information, amino acid conservation, physicochemical variation, residue mobility, and thermodynamic stability) performed at Invitae indicates that this missense variant is not expected to disrupt FAT4 protein function. This variant has not been reported in the literature in individuals with FAT4-related conditions. This variant is not present in population databases (ExAC no frequency). This sequence change replaces threonine with isoleucine at codon 2875 of the FAT4 protein (p.Thr2875Ile). The threonine residue is weakly conserved and there is a moderate physicochemical difference between threonine and isoleucine.